The following is an entry in ClinVar:

NM_000180.4(GUCY2D):c.3065T>G (p.Leu1022Trp)

Gene: GUCY2D (guanylate cyclase 2D, retinal; plus strand). Cytogenetic location: 17p13.1.
Variant type: single nucleotide variant.
Coding change: c.3065T>G on transcript NM_000180.4 (MANE Select); coding-DNA position 3065, T replaced by G.
Protein change: p.Leu1022Trp; replaces leucine 1022 with tryptophan.
Molecular consequence: missense variant.
Genome position (GRCh38, 1-based): chr17:8,015,948, T>G. VCF-style: chr17-8015948-T-G. GRCh37 (hg19) VCF-style: chr17-7919266-T-G.
Other names: short protein forms L1022W.
Identifiers: ClinVar variation 1058529 (VCV001058529.6), dbSNP rs866511152, ClinGen allele CA397955592.

ClinVar aggregate classification (germline): Uncertain significance (1 of 4 stars; one submission).

Conditions:
Cone-rod dystrophy 6 (CORD6). Also called: Cone dystrophy progressive; RETINAL CONE DYSTROPHY 2. Identifiers: Orphanet 1872, MedGen C1866293, MONDO:0011143, OMIM 601777.
Leber congenital amaurosis 1 (LCA1). Also called: AMAUROSIS CONGENITA OF LEBER I; Congenital absence of the rods and cones; Leber's congenital tapetoretinal degeneration; Leber's congenital tapetoretinal dysplasia; RETINAL BLINDNESS, CONGENITAL. Identifiers: Orphanet 65, MedGen C2931258, MONDO:0008764, OMIM 204000.

Allele frequency attached by ClinVar (database versions not stated): gnomAD 0.00001; gnomAD exomes 0.00001 and 0.00002.
gnomAD v4.1: 23 of 1,611,346 alleles (0.0014%); highest among the groups gnomAD compares: Non-Finnish European, 0.0019%; no homozygotes.

Submission:

Labcorp Genetics (formerly Invitae), Labcorp
Classification: Uncertain significance for Leber congenital amaurosis 1; Cone-rod dystrophy 6. Last evaluated: 2021-08-31. Review status: criteria provided, single submitter. Criteria: Invitae Variant Classification Sherloc (09022015). Collection method: clinical testing. Allele origin: germline.
Comment: This sequence change replaces leucine with tryptophan at codon 1022 of the GUCY2D protein (p.Leu1022Trp). The leucine residue is weakly conserved and there is a small physicochemical difference between leucine and tryptophan. This variant is not present in population databases (ExAC no frequency). This variant has not been reported in the literature in individuals affected with GUCY2D-related conditions. Algorithms developed to predict the effect of missense changes on protein structure and function are either unavailable or do not agree on the potential impact of this missense change (SIFT: "Deleterious"; PolyPhen-2: "Possibly Damaging"; Align-GVGD: "Class C0"). In summary, the available evidence is currently insufficient to determine the role of this variant in disease. Therefore, it has been classified as a Variant of Uncertain Significance.